The following is an entry in ClinVar:

NM_001363711.2(DUOX2):c.302G>T (p.Arg101Leu)

Gene: DUOX2 (dual oxidase 2; minus strand). Cytogenetic location: 15q21.1.
Variant type: single nucleotide variant.
Coding change: c.302G>T on transcript NM_001363711.2 (MANE Select); coding-DNA position 302, G replaced by T.
Protein change: p.Arg101Leu; replaces arginine 101 with leucine.
Molecular consequence: missense variant.
Genome position (GRCh38, 1-based): chr15:45,112,577, C>A on the plus strand (G>T on the coding strand, the complement: DUOX2 is on the minus strand). VCF-style: chr15-45112577-C-A. GRCh37 (hg19) VCF-style: chr15-45404775-C-A.
Other names: c.302G>T, p.Arg101Leu (NM_014080.5); short protein forms R101L.
Identifiers: ClinVar variation 2152231 (VCV002152231.2), dbSNP rs1009150487, ClinGen allele CA270135227.

ClinVar aggregate classification (germline): Uncertain significance (1 of 4 stars; one submission).

Submission:

Labcorp Genetics (formerly Invitae), Labcorp
Classification: Uncertain significance. Last evaluated: 2025-05-01. Review status: criteria provided, single submitter. Criteria: Invitae Variant Classification Sherloc (09022015). Collection method: clinical testing. Allele origin: germline.
Comment: This sequence change replaces arginine, which is basic and polar, with leucine, which is neutral and non-polar, at codon 101 of the DUOX2 protein (p.Arg101Leu). This variant is present in population databases (no rsID available, gnomAD 0.002%). This missense change has been observed in individual(s) with thyroid dyshormonogenesis (PMID: 29546359). ClinVar contains an entry for this variant (Variation ID: 2152231). Invitae Evidence Modeling of protein sequence and biophysical properties (such as structural, functional, and spatial information, amino acid conservation, physicochemical variation, residue mobility, and thermodynamic stability) indicates that this missense variant is not expected to disrupt DUOX2 protein function with a negative predictive value of 80%. In summary, the available evidence is currently insufficient to determine the role of this variant in disease. Therefore, it has been classified as a Variant of Uncertain Significance.

Literature cited by the submitters: PubMed 29546359.